The following is an entry in ClinVar:

NM_001370466.1(NOD2):c.1949T>C (p.Phe650Ser)

Gene: NOD2 (nucleotide binding oligomerization domain containing 2; plus strand). Cytogenetic location: 16q12.1.
Variant type: single nucleotide variant.
Coding change: c.1949T>C on transcript NM_001370466.1 (MANE Select); coding-DNA position 1949, T replaced by C.
Protein change: p.Phe650Ser; replaces phenylalanine 650 with serine.
Molecular consequence: missense variant. On other transcripts: non-coding transcript variant (1).
Genome position (GRCh38, 1-based): chr16:50,711,941, T>C. VCF-style: chr16-50711941-T-C. GRCh37 (hg19) VCF-style: chr16-50745852-T-C.
Other names: c.1949T>C, p.Phe650Ser (NM_001293557.2); c.2030T>C, p.Phe677Ser (NM_022162.3); short protein forms F677S, F650S.
Identifiers: ClinVar variation 1415111 (VCV001415111.8), dbSNP rs2150813115, ClinGen allele CA395870627.

ClinVar aggregate classification (germline): Uncertain significance (1 of 4 stars; one submission).

Conditions:
Regional enteritis. Also called: Enteritis, Granulomatous. Identifiers: MedGen C0678202, MeSH D003424.
Blau syndrome (BLAUS). Also called: ARTHROCUTANEOUVEAL GRANULOMATOSIS; JABS SYNDROME; GRANULOMATOSIS, FAMILIAL JUVENILE SYSTEMIC; GRANULOMATOSIS, FAMILIAL, BLAU TYPE; GRANULOMATOUS INFLAMMATORY ARTHRITIS, DERMATITIS, AND UVEITIS, FAMILIAL. Identifiers: Orphanet 90340, MedGen C5201146, MONDO:0008523, OMIM 186580.

Submission:

Labcorp Genetics (formerly Invitae), Labcorp
Classification: Uncertain significance for Regional enteritis; Blau syndrome. Last evaluated: 2020-11-25. Review status: criteria provided, single submitter. Criteria: Invitae Variant Classification Sherloc (09022015). Collection method: clinical testing. Allele origin: germline.
Comment: In summary, the available evidence is currently insufficient to determine the role of this variant in disease. Therefore, it has been classified as a Variant of Uncertain Significance. Algorithms developed to predict the effect of missense changes on protein structure and function are either unavailable or do not agree on the potential impact of this missense change (SIFT: "Deleterious"; PolyPhen-2: "Benign"; Align-GVGD: "Class C0"). This variant has not been reported in the literature in individuals with NOD2-related conditions. This variant is not present in population databases (ExAC no frequency). This sequence change replaces phenylalanine with serine at codon 677 of the NOD2 protein (p.Phe677Ser). The phenylalanine residue is highly conserved and there is a large physicochemical difference between phenylalanine and serine.